The following is an entry in ClinVar:

ClinVar aggregate classification (germline): Uncertain significance. Review status: criteria provided, multiple submitters, no conflicts (2 of 4 stars). 2 submissions from 2 submitters: Uncertain significance (2). Last evaluated 2022-02-09.

Conditions:
Glycogen storage disease IXc (GSD9C). Also called: GSD IXc. Identifiers: Orphanet 264580, MedGen C2751643, MONDO:0013091, OMIM 613027.

Allele frequency attached by ClinVar (database versions not stated): TOPMed 0.00018; 1000 Genomes Project 30x 0.00031; 1000 Genomes Project 0.00040; ExAC 0.00006; gnomAD exomes 0.00006; gnomAD 0.00017.
gnomAD v4.1: 92 of 1,612,974 alleles (0.0057%); highest among the groups gnomAD compares: African/African-American, 0.039%; no homozygotes.

Submissions (2):

Labcorp Genetics (formerly Invitae), Labcorp
Classification: Uncertain significance for Glycogen storage disease IXc. Last evaluated: 2022-02-09. Review status: criteria provided, single submitter. Criteria: Invitae Variant Classification Sherloc (09022015). Collection method: clinical testing. Allele origin: germline.
Comment: This sequence change replaces arginine, which is basic and polar, with glutamine, which is neutral and polar, at codon 75 of the PHKG2 protein (p.Arg75Gln). This variant is present in population databases (rs538127151, gnomAD 0.05%). This variant has not been reported in the literature in individuals affected with PHKG2-related conditions. ClinVar contains an entry for this variant (Variation ID: 583309). Algorithms developed to predict the effect of missense changes on protein structure and function output the following: SIFT: "Tolerated"; PolyPhen-2: "Benign"; Align-GVGD: "Class C0". The glutamine amino acid residue is found in multiple mammalian species, which suggests that this missense change does not adversely affect protein function. In summary, the available evidence is currently insufficient to determine the role of this variant in disease. Therefore, it has been classified as a Variant of Uncertain Significance.

Illumina Laboratory Services, Illumina
Classification: Uncertain significance for Glycogen storage disease IXc. Last evaluated: 2018-01-13. Review status: criteria provided, single submitter. Criteria: ICSL Variant Classification Criteria 13 December 2019. Collection method: clinical testing. Allele origin: germline.

NM_000294.3(PHKG2):c.224G>A (p.Arg75Gln)

Gene: PHKG2 (phosphorylase kinase catalytic subunit gamma 2; plus strand). Cytogenetic location: 16p11.2.
Variant type: single nucleotide variant.
Coding change: c.224G>A on transcript NM_000294.3 (MANE Select); coding-DNA position 224, G replaced by A.
Protein change: p.Arg75Gln; replaces arginine 75 with glutamine.
Molecular consequence: missense variant.
Genome position (GRCh38, 1-based): chr16:30,751,234, G>A. VCF-style: chr16-30751234-G-A. GRCh37 (hg19) VCF-style: chr16-30762555-G-A.
Other names: c.224G>A, p.Arg75Gln (NM_001172432.2); short protein forms R75Q.
Identifiers: ClinVar variation 583309 (VCV000583309.8), dbSNP rs538127151, ClinGen allele CA8013057.